The following is an entry in ClinVar:

ClinVar aggregate classification (germline): Uncertain significance (1 of 4 stars; one submission).

Conditions:
Hereditary cancer-predisposing syndrome. Also called: Tumor predisposition; Neoplastic Syndromes, Hereditary; Hereditary Cancer Syndrome; Hereditary neoplastic syndrome. Identifiers: Orphanet 140162, MedGen C0027672, MeSH D009386, MONDO:0015356.

Submission:

Ambry Genetics
Classification: Uncertain significance for Hereditary cancer-predisposing syndrome. Last evaluated: 2024-10-06. Review status: criteria provided, single submitter. Criteria: Ambry Variant Classification Scheme 2023. Collection method: clinical testing. Allele origin: germline.
Comment: The p.T369S variant (also known as c.1105A>T), located in coding exon 13 of the CDC73 gene, results from an A to T substitution at nucleotide position 1105. The threonine at codon 369 is replaced by serine, an amino acid with similar properties. This amino acid position is conserved. In addition, the in silico prediction for this alteration is inconclusive. Based on the available evidence, the clinical significance of this variant remains unclear.

NM_024529.5(CDC73):c.1105A>T (p.Thr369Ser)

Gene: CDC73 (cell division cycle 73; plus strand). Cytogenetic location: 1q31.2.
Variant type: single nucleotide variant.
Coding change: c.1105A>T on transcript NM_024529.5 (MANE Select); coding-DNA position 1105, A replaced by T.
Protein change: p.Thr369Ser; replaces threonine 369 with serine.
Molecular consequence: missense variant.
Genome position (GRCh38, 1-based): chr1:193,212,428, A>T. VCF-style: chr1-193212428-A-T. GRCh37 (hg19) VCF-style: chr1-193181558-A-T.
Other names: short protein forms T369S.
Identifiers: ClinVar variation 3488522 (VCV003488522.1).
Genomic context (GRCh38, chr1:193,212,428, plus strand): 5'-CCTGTAAATTTTGTCTTTATAGGATCTCGAACACCCATTATCATAATTCCTGCAGCTACC[A>T]CCTCTTTAATAACCATGCTTAATGCAAAAGACCTTCTACAGGACCTGAAGTAAGTAATTT-3'
Protein context (NP_078805.3, residues 359-379): TPIIIIPAAT[Thr369Ser]SLITMLNAKD